The following is an entry in ClinVar:

ClinVar aggregate classification (germline): Pathogenic (1 of 4 stars; one submission).

Submission:

GeneDx
Classification: Pathogenic. Last evaluated: 2020-06-11. Review status: criteria provided, single submitter. Criteria: GeneDx Variant Classification Process June 2021. Collection method: clinical testing. Allele origin: germline. Affected: yes.
Comment: Identified in a patient with a family history of hypohidrotic ectodermal dysplasia in published literature (Pina-Aguilar et al., 2018); Canonical splice site variant predicted to result in a null allele in a gene for which loss-of-function is a known mechanism of disease; Not observed in large population cohorts (Lek et al., 2016); This variant is associated with the following publications: (PMID: 32117440, 30067729)

NM_001399.5(EDA):c.707-1G>A

Gene: EDA (ectodysplasin A; plus strand). Cytogenetic location: Xq13.1.
Variant type: single nucleotide variant.
Coding change: c.707-1G>A on transcript NM_001399.5 (MANE Select); the canonical splice acceptor site of the intron before coding-DNA position 707, G replaced by A.
Molecular consequence: splice acceptor variant.
Genome position (GRCh38, 1-based): chrX:70,029,503, G>A. VCF-style: chrX-70029503-G-A. GRCh37 (hg19) VCF-style: chrX-69249353-G-A.
Other names: c.707-1G>A (NM_001005609.2, NM_001005612.3).
Identifiers: ClinVar variation 265310 (VCV000265310.4), dbSNP rs886039466, ClinGen allele CA10588797.